The following is an entry in ClinVar:

NM_000044.6(AR):c.2566C>T (p.Arg856Cys)

Gene: AR (androgen receptor; plus strand). Cytogenetic location: Xq12.
Variant type: single nucleotide variant.
Coding change: c.2566C>T on transcript NM_000044.6 (MANE Select); coding-DNA position 2566, C replaced by T.
Protein change: p.Arg856Cys; replaces arginine 856 with cysteine.
Molecular consequence: missense variant.
Genome position (GRCh38, 1-based): chrX:67,722,943, C>T. VCF-style: chrX-67722943-C-T. GRCh37 (hg19) VCF-style: chrX-66942785-C-T.
Other names: c.970C>T, p.Arg324Cys (NM_001011645.3); short protein forms R856C, R324C.
Identifiers: ClinVar variation 279687 (VCV000279687.13), dbSNP rs886041132, ClinGen allele CA10603683.
Genomic context (GRCh38, chrX:67,722,943, plus strand): 5'-ATCAAGGAACTCGATCGTATCATTGCATGCAAAAGAAAAAATCCCACATCCTGCTCAAGA[C>T]GCTTCTACCAGCTCACCAAGCTCCTGGACTCCGTGCAGCCTGTAAGCAAACGATGGAGGG-3'
Protein context (NP_000035.2, residues 846-866): KRKNPTSCSR[Arg856Cys]FYQLTKLLDS

ClinVar aggregate classification (germline): Pathogenic. Review status: criteria provided, multiple submitters, no conflicts (2 of 4 stars). 5 submissions from 5 submitters: Pathogenic (4). 1 of the submissions does not count toward it. Last evaluated 2025-06-10.
ClinVar aggregate classification (oncogenicity): Likely oncogenic (1 of 4 stars; one submission).

Conditions:
Androgen resistance syndrome (AIS). Also called: DHTR DEFICIENCY; Androgen insensitivity; Androgen insensitivity, complete; ANDROGEN RECEPTOR DEFICIENCY; DIHYDROTESTOSTERONE RECEPTOR DEFICIENCY; Androgen insensitivity syndrome due to coactivator deficiency. Identifiers: Orphanet 754, Orphanet 99429, MedGen C0039585, MONDO:0019154, OMIM 300068. Disease mechanism: loss of function.
Kennedy disease (SMAX1). Also called: SPINAL AND BULBAR MUSCULAR ATROPHY, X-LINKED 1; KENNEDY SPINAL AND BULBAR MUSCULAR ATROPHY; Spinal and Bulbar Muscular Atrophy. Identifiers: Orphanet 481, MedGen C1839259, MONDO:0010735, OMIM 313200.
AR-related disorders.
Neoplasm. Also called: Neoplasms; Neoplasm (disease); tumor. Identifiers: MedGen C0027651, MeSH D009369, MONDO:0005070, HP:0002664.

Allele frequency attached by ClinVar (database versions not stated): gnomAD exomes below 0.00001.
gnomAD v4.1: 1 of 1,211,672 alleles (0.000083%); highest among the groups gnomAD compares: Non-Finnish European, 0.00011%; no homozygotes.

Submissions (6):

Center for Genomic Medicine, Rigshospitalet, Copenhagen University Hospital
Classification: Likely oncogenic for Neoplasm. Last evaluated: 2025-12-29. Review status: criteria provided, single submitter. Criteria: ClinGen/CGC/VICC Guidelines for Oncogenicity, 2022. Collection method: clinical testing. Allele origin: somatic. Affected: yes.

Victorian Clinical Genetics Services, Murdoch Childrens Research Institute
Classification: Pathogenic for Androgen resistance syndrome. Last evaluated: 2025-06-10. Review status: criteria provided, single submitter. Criteria: ACMG Guidelines, 2015. Collection method: clinical testing. Allele origin: germline. Affected: yes.
Comment: This variant is classified as Pathogenic. Evidence in support of pathogenic classification: Variant is absent from gnomAD (both v2 and v3); This variant has very strong previous evidence of pathogenicity in unrelated individuals. It has been reported in many individuals with AIS, usually associated with the more severe complete androgen insensitivity (CAIS) (PMID: 31499074); Other missense variants comparable to the one identified in this case have very strong previous evidence for pathogenicity. Substitutions to histidine, leucine and serine have been reported pathogenic in individuals with AIS (ClinVar, PMID: 29051026); Variant is located in a hotspot region or cluster of pathogenic variants. Most pathogenic missense variants reported are located in the ligand binding domain (PMID: 31499074, DECIPHER); Missense variant consistently predicted to be damaging by multiple in silico tools or highly conserved with a major amino acid change. Additional information: Variant is predicted to result in a missense amino acid change from arginine to cysteine; This variant is hemizygous; This gene is associated with X-linked recessive disease; Loss of function is a known mechanism of disease in this gene and is associated with androgen insensitivity (AIS; MIM#300068); Inheritance information for this variant is not currently available in this individual.

Labcorp Genetics (formerly Invitae), Labcorp
Classification: Pathogenic for Kennedy disease; Androgen resistance syndrome. Last evaluated: 2023-10-02. Review status: criteria provided, single submitter. Criteria: Invitae Variant Classification Sherloc (09022015). Collection method: clinical testing. Allele origin: germline.
Comment: This sequence change replaces arginine, which is basic and polar, with cysteine, which is neutral and slightly polar, at codon 856 of the AR protein (p.Arg856Cys). This variant is not present in population databases (gnomAD no frequency). This missense change has been observed in individual(s) with androgen insensitivity syndrome (PMID: 24321103, 28879700, 31499074, 33505695, 33863387, 34333495). This variant is also known as p.Arg855Cys, p.Arg853Cys. ClinVar contains an entry for this variant (Variation ID: 279687). Advanced modeling of protein sequence and biophysical properties (such as structural, functional, and spatial information, amino acid conservation, physicochemical variation, residue mobility, and thermodynamic stability) has been performed at Invitae for this missense variant, however the output from this modeling did not meet the statistical confidence thresholds required to predict the impact of this variant on AR protein function. Experimental studies have shown that this missense change affects AR function (PMID: 33548461). This variant disrupts the p.Arg856 amino acid residue in AR. Other variant(s) that disrupt this residue have been determined to be pathogenic (PMID: 1430233, 8097257, 24737579). This suggests that this residue is clinically significant, and that variants that disrupt this residue are likely to be disease-causing. For these reasons, this variant has been classified as Pathogenic.

GeneDx
Classification: Pathogenic. Last evaluated: 2022-06-03. Review status: criteria provided, single submitter. Criteria: GeneDx Variant Classification Process June 2021. Collection method: clinical testing. Allele origin: germline. Affected: yes.
Comment: Published functional studies demonstrate a damaging effect of R856C on AR activity (Murono et al., 1995); Not observed at significant frequency in large population cohorts (gnomAD); Missense variants in this gene are often considered pathogenic (HGMD); In silico analysis supports that this missense variant has a deleterious effect on protein structure/function; Also known as p.(R855C); This variant is associated with the following publications: (PMID: 16544039, 31499074, 33548461, 7581399, 8240973, 1430233, 24321103, 9255042, 15925895, 1480178, 7626493, 8723113, 11788645, 18710728, 9001799, 28879700, 10690872, 12843171, 33863387, 34333495, 33505695)

Blueprint Genetics
Classification: Pathogenic for AR-related disorders. Last evaluated: 2020-10-29. Review status: criteria provided, single submitter. Criteria: ACMG Guidelines, 2015. Collection method: clinical testing. Allele origin: germline. Affected: yes. Observed: 2 variant alleles.

Clinical Molecular Genetics Laboratory, Johns Hopkins All Children's Hospital
Classification: Pathogenic for Androgen resistance syndrome. Last evaluated: 2004-03-23. Review status: no assertion criteria provided. Collection method: clinical testing. Allele origin: germline. Affected: yes. Not counted in ClinVar's aggregate classification.

Literature cited by the submitters: PubMed 33548461 (cited by Center for Genomic Medicine, Rigshospitalet, Copenhagen University Hospital and Labcorp Genetics (formerly Invitae), Labcorp); PubMed 31499074 (cited by Victorian Clinical Genetics Services, Murdoch Childrens Research Institute and Labcorp Genetics (formerly Invitae), Labcorp); PubMed 29051026 (cited by Victorian Clinical Genetics Services, Murdoch Childrens Research Institute); PubMed 24321103 (cited by Labcorp Genetics (formerly Invitae), Labcorp); PubMed 28879700 (cited by Labcorp Genetics (formerly Invitae), Labcorp); PubMed 33505695 (cited by Labcorp Genetics (formerly Invitae), Labcorp); PubMed 33863387 (cited by Labcorp Genetics (formerly Invitae), Labcorp); PubMed 34333495 (cited by Labcorp Genetics (formerly Invitae), Labcorp); PubMed 1430233 (cited by Labcorp Genetics (formerly Invitae), Labcorp); PubMed 8097257 (cited by Labcorp Genetics (formerly Invitae), Labcorp); PubMed 24737579 (cited by Labcorp Genetics (formerly Invitae), Labcorp).